The following is an entry in ClinVar:

ClinVar aggregate classification (germline): Pathogenic (1 of 4 stars; one submission).

Conditions:
Coffin-Siris syndrome 6. Identifiers: MedGen C4540499, MONDO:0033492, OMIM 617808.

Submission:

Greenwood Genetic Center Diagnostic Laboratories, Greenwood Genetic Center
Classification: Pathogenic for Coffin-Siris syndrome 6. Last evaluated: 2022-07-28. Review status: criteria provided, single submitter. Criteria: ACMG Guidelines, 2015. Collection method: clinical testing. Allele origin: germline. Affected: yes.
Comment: PVS1, PS2, PM2

NM_152641.4(ARID2):c.2767C>T (p.Gln923Ter)

Gene: ARID2 (AT-rich interaction domain 2; plus strand). Cytogenetic location: 12q12.
Variant type: single nucleotide variant.
Coding change: c.2767C>T on transcript NM_152641.4 (MANE Select); coding-DNA position 2767, C replaced by T.
Protein change: p.Gln923Ter; replaces glutamine 923 with a stop codon.
Molecular consequence: nonsense.
Genome position (GRCh38, 1-based): chr12:45,850,890, C>T. VCF-style: chr12-45850890-C-T. GRCh37 (hg19) VCF-style: chr12-46244673-C-T.
Other names: c.2767C>T, p.Gln923Ter (NM_001347839.2); short protein forms Q923*.
Identifiers: ClinVar variation 1710463 (VCV001710463.3), dbSNP rs2138165905, ClinGen allele CA384479655.
Genomic context (GRCh38, chr12:45,850,890, plus strand): 5'-TCTCAGCAAGTTTCATCTACAGTGGTACAGCAGCCTATTCAACAACCACAGCAGCCAACC[C>T]AACAAAGCGTAGTGATTGTAAGCCAGCCAGCTCAACAAGGTCAAACTTATGCACCAGCCA-3'